The following is an entry in ClinVar:

ClinVar aggregate classification (germline): Benign. Review status: criteria provided, single submitter (1 of 4 stars). 2 submissions from 2 submitters: Benign (1). 1 of the submissions does not count toward it. Last evaluated 2025-09-10.

Conditions:
IGSF10-related disorder. Also called: IGSF10-related condition.

Allele frequency attached by ClinVar (database versions not stated): gnomAD exomes 0.00053; ExAC 0.00166; gnomAD 0.00538; ESP Exome Variant Server 0.00546; TOPMed 0.00601; 1000 Genomes Project 0.00659; 1000 Genomes Project 30x 0.00703.
gnomAD v4.1: 1,631 of 1,614,106 alleles (0.1%); highest among the groups gnomAD compares: African/African-American, 2%; 17 homozygotes.

Submissions (2):

Labcorp Genetics (formerly Invitae), Labcorp
Classification: Benign. Last evaluated: 2025-09-10. Review status: criteria provided, single submitter. Criteria: Invitae Variant Classification Sherloc (09022015). Collection method: clinical testing. Allele origin: germline.

PreventionGenetics, part of Exact Sciences
Classification: Benign for IGSF10-related condition. Last evaluated: 2019-11-16. Review status: no assertion criteria provided. Collection method: clinical testing. Allele origin: germline. Not counted in ClinVar's aggregate classification.
Comment: This variant is classified as benign based on ACMG/AMP sequence variant interpretation guidelines (Richards et al. 2015 PMID: 25741868, with internal and published modifications).

NM_178822.5(IGSF10):c.2383G>A (p.Asp795Asn)

Gene: IGSF10 (immunoglobulin superfamily member 10; minus strand). Cytogenetic location: 3q25.1.
Variant type: single nucleotide variant.
Coding change: c.2383G>A on transcript NM_178822.5 (MANE Select); coding-DNA position 2383, G replaced by A.
Protein change: p.Asp795Asn; replaces aspartic acid 795 with asparagine.
Molecular consequence: missense variant.
Genome position (GRCh38, 1-based): chr3:151,447,598, C>T on the plus strand (G>A on the coding strand, the complement: IGSF10 is on the minus strand). VCF-style: chr3-151447598-C-T. GRCh37 (hg19) VCF-style: chr3-151165386-C-T.
Other names: c.2383G>A, p.Asp795Asn (NM_001385060.1, NM_001385061.1, NM_001385062.1 and 1 more transcripts); c.2383G>A (NM_178822.4); short protein forms D795N.
Identifiers: ClinVar variation 2040716 (VCV002040716.6), dbSNP rs58583961, ClinGen allele CA2670353.